The following is an entry in ClinVar:

NM_001005242.3(PKP2):c.1435G>T (p.Ala479Ser)

Gene: PKP2 (plakophilin 2; minus strand). Cytogenetic location: 12p11.21.
Variant type: single nucleotide variant.
Coding change: c.1435G>T on transcript NM_001005242.3 (MANE Select); coding-DNA position 1435, G replaced by T.
Protein change: p.Ala479Ser; replaces alanine 479 with serine.
Molecular consequence: missense variant.
Genome position (GRCh38, 1-based): chr12:32,841,149, C>A on the plus strand (G>T on the coding strand, the complement: PKP2 is on the minus strand). VCF-style: chr12-32841149-C-A. GRCh37 (hg19) VCF-style: chr12-32994083-C-A.
Other names: c.1567G>T, p.Ala523Ser (NM_004572.4); short protein forms A479S, A523S.
Identifiers: ClinVar variation 922837 (VCV000922837.10), dbSNP rs766622938, ClinGen allele CA384367911.

ClinVar aggregate classification (germline): Uncertain significance. Review status: criteria provided, multiple submitters, no conflicts (2 of 4 stars). 2 submissions from 2 submitters: Uncertain significance (2). Last evaluated 2023-12-05.

Conditions:
Cardiomyopathy (CMYO). Also called: Cardiomyopathies. Identifiers: Orphanet 167848, MedGen C0878544, MONDO:0004994, HP:0001638. Inheritance: Various modes of inheritance.
Arrhythmogenic right ventricular dysplasia 9 (ARVD9). Also called: Arrhythmogenic Right Ventricular Dysplasia/Cardiomyopathy 9; ARRHYTHMOGENIC RIGHT VENTRICULAR DYSPLASIA, FAMILIAL, 9. Identifiers: MedGen C1836906, MONDO:0012180, OMIM 609040.

gnomAD v4.1: 8 of 1,613,476 alleles (0.0005%); highest among the groups gnomAD compares: East Asian, 0.011%; no homozygotes.

Submissions (2):

Color Diagnostics, LLC DBA Color Health
Classification: Uncertain significance for Cardiomyopathy. Last evaluated: 2023-12-05. Review status: criteria provided, single submitter. Criteria: ACMG Guidelines, 2015. Collection method: clinical testing. Allele origin: germline.
Comment: This missense variant replaces alanine with serine at codon 523 of the PKP2 protein. Computational prediction tools and conservation analyses are inconclusive regarding the impact of this variant on the protein function. Computational splicing tools suggest that this variant may not impact RNA splicing. To our knowledge, functional assays have not been performed for this variant nor has this variant been reported in individuals affected with cardiovascular disorders in the literature. This variant has not been identified in the general population by the Genome Aggregation Database (gnomAD). Available evidence is insufficient to determine the role of this variant in disease conclusively. Therefore, this variant is classified as a Variant of Uncertain Significance.

Labcorp Genetics (formerly Invitae), Labcorp
Classification: Uncertain significance for Arrhythmogenic right ventricular dysplasia 9. Last evaluated: 2022-09-01. Review status: criteria provided, single submitter. Criteria: Invitae Variant Classification Sherloc (09022015). Collection method: clinical testing. Allele origin: germline.
Comment: This variant is not present in population databases (gnomAD no frequency). This sequence change replaces alanine, which is neutral and non-polar, with serine, which is neutral and polar, at codon 523 of the PKP2 protein (p.Ala523Ser). This variant has not been reported in the literature in individuals affected with PKP2-related conditions. ClinVar contains an entry for this variant (Variation ID: 922837). Algorithms developed to predict the effect of missense changes on protein structure and function (SIFT, PolyPhen-2, Align-GVGD) all suggest that this variant is likely to be disruptive. In summary, the available evidence is currently insufficient to determine the role of this variant in disease. Therefore, it has been classified as a Variant of Uncertain Significance.